The following is an entry in ClinVar:

ClinVar aggregate classification (germline): Conflicting classifications of pathogenicity. Review status: criteria provided, conflicting classifications (1 of 4 stars). 6 submissions from 6 submitters: Uncertain significance (4); Likely benign (1). 1 of the submissions does not count toward it. Last evaluated 2026-05-18.

Conditions:
Von Hippel-Lindau syndrome (VHLS). Also called: Von Hippel-Lindau; von Hippel–Lindau syndrome; VHL syndrome. Identifiers: Orphanet 892, MedGen C0019562, MONDO:0008667, OMIM 193300. Disease mechanism: loss of function.
Chuvash polycythemia. Also called: POLYCYTHEMIA, VHL-DEPENDENT. Identifiers: Orphanet 238557, MedGen C1837915, MONDO:0009892, OMIM 263400.
Hereditary cancer-predisposing syndrome. Also called: Neoplastic Syndromes, Hereditary; Hereditary neoplastic syndrome; Tumor predisposition; Hereditary Cancer Syndrome. Identifiers: Orphanet 140162, MedGen C0027672, MeSH D009386, MONDO:0015356.

Allele frequency attached by ClinVar (database versions not stated): TOPMed below 0.00001; gnomAD exomes below 0.00001.
gnomAD v4.1: 1 of 1,601,918 alleles (0.000062%); highest among the groups gnomAD compares: Non-Finnish European, 0.000085%; no homozygotes.

Submissions (6):

Ambry Genetics
Classification: Likely benign for Hereditary cancer-predisposing syndrome. Last evaluated: 2026-05-18. Review status: criteria provided, single submitter. Criteria: Ambry Variant Classification Scheme 2023. Collection method: clinical testing. Allele origin: germline.

Color Diagnostics, LLC DBA Color Health
Classification: Uncertain significance for Von Hippel-Lindau syndrome. Last evaluated: 2025-09-11. Review status: criteria provided, single submitter. Criteria: ACMG Guidelines, 2015. Collection method: clinical testing. Allele origin: germline.
Comment: This missense variant replaces asparagine with serine at codon 90 of the VHL protein. Computational prediction is inconclusive regarding the impact of this variant on protein structure and function. A functional study reported that this variant does not impact VHL in a haploid cell proliferation assay (PMID: 38969834). This variant has not been reported in individuals affected with VHL-related disorders in the literature. This variant has not been identified in the general population by the Genome Aggregation Database (gnomAD). The available evidence is insufficient to determine the role of this variant in disease conclusively. Therefore, this variant is classified as a Variant of Uncertain Significance.

Labcorp Genetics (formerly Invitae), Labcorp
Classification: Uncertain significance for Von Hippel-Lindau syndrome; Chuvash polycythemia. Last evaluated: 2025-08-18. Review status: criteria provided, single submitter. Criteria: Invitae Variant Classification Sherloc (09022015). Collection method: clinical testing. Allele origin: germline.
Comment: This sequence change replaces asparagine, which is neutral and polar, with serine, which is neutral and polar, at codon 90 of the VHL protein (p.Asn90Ser). This variant is not present in population databases (gnomAD no frequency). This variant has not been reported in the literature in individuals affected with VHL-related conditions. ClinVar contains an entry for this variant (Variation ID: 41865). Invitae Evidence Modeling of protein sequence and biophysical properties (such as structural, functional, and spatial information, amino acid conservation, physicochemical variation, residue mobility, and thermodynamic stability) indicates that this missense variant is expected to disrupt VHL protein function with a positive predictive value of 95%. In summary, the available evidence is currently insufficient to determine the role of this variant in disease. Therefore, it has been classified as a Variant of Uncertain Significance.

Baylor Genetics
Classification: Uncertain significance for Chuvash polycythemia. Last evaluated: 2024-03-26. Review status: criteria provided, single submitter. Criteria: ACMG Guidelines, 2015. Collection method: clinical testing. Allele origin: unknown.

All of Us Research Program, National Institutes of Health
Classification: Uncertain significance for Von Hippel-Lindau syndrome. Last evaluated: 2023-03-28. Review status: criteria provided, single submitter. Criteria: ACMG Guidelines, 2015. Collection method: clinical testing. Allele origin: germline. Inheritance: Autosomal dominant inheritance. Observed: 1 variant allele, 1 heterozygote.
Comment: This study involves interpretation of variants in research participants for the purpose of population health screening. Participant phenotype was not available at the time of variant classification. Additional details can be found in publication PMID: 35346344, PMCID: PMC8962531

Biesecker Lab/Clinical Genomics Section, National Institutes of Health
Classification: Uncertain significance. Last evaluated: 2012-07-13. Review status: no assertion criteria provided. Collection method: research. Allele origin: germline. Affected: no. Observed: 1 variant allele. Study: ClinSeq. Not counted in ClinVar's aggregate classification.
ClinVar note: Converted during submission from variant of unknown significance to Uncertain significance.

Literature cited by the submitters: PubMed 38969834 (cited by Ambry Genetics and Color Diagnostics, LLC DBA Color Health).

NM_000551.4(VHL):c.269A>G (p.Asn90Ser)

Gene: VHL (von Hippel-Lindau tumor suppressor; plus strand). Cytogenetic location: 3p25.3.
Variant type: single nucleotide variant.
Coding change: c.269A>G on transcript NM_000551.4 (MANE Select); coding-DNA position 269, A replaced by G.
Protein change: p.Asn90Ser; replaces asparagine 90 with serine.
Molecular consequence: missense variant.
Genome position (GRCh38, 1-based): chr3:10,142,116, A>G. VCF-style: chr3-10142116-A-G. GRCh37 (hg19) VCF-style: chr3-10183800-A-G.
Other names: c.269A>G, p.Asn90Ser (NM_001354723.2, NM_198156.3); short protein forms N90S.
Identifiers: ClinVar variation 41865 (VCV000041865.18), dbSNP rs143985153, ClinGen allele CA020212.